The following is an entry in ClinVar:

ClinVar aggregate classification (germline): Uncertain significance (1 of 4 stars; one submission).

Submission:

Labcorp Genetics (formerly Invitae), Labcorp
Classification: Uncertain significance. Last evaluated: 2021-04-20. Review status: criteria provided, single submitter. Criteria: Invitae Variant Classification Sherloc (09022015). Collection method: clinical testing. Allele origin: germline.
Comment: This sequence change replaces alanine with leucine at codon 788 of the POLE protein (p.Ala788Leu). The alanine residue is highly conserved and there is a moderate physicochemical difference between alanine and leucine. The frequency data for this variant in the population databases is not available, as this variant may be reported as separate entries in the ExAC database. This variant has not been reported in the literature in individuals with POLE-related conditions. Algorithms developed to predict the effect of missense changes on protein structure and function are either unavailable or do not agree on the potential impact of this missense change (SIFT: "Not Available"; PolyPhen-2: "Possibly Damaging"; Align-GVGD: "Not Available"). In summary, the available evidence is currently insufficient to determine the role of this variant in disease. Therefore, it has been classified as a Variant of Uncertain Significance.

NM_006231.4(POLE):c.2362_2363delinsCT (p.Ala788Leu)

Gene: POLE (DNA polymerase epsilon, catalytic subunit; minus strand). Cytogenetic location: 12q24.33.
Variant type: Indel.
Coding change: c.2362_2363delinsCT on transcript NM_006231.4 (MANE Select); coding-DNA positions 2362 to 2363, GC replaced by CT.
Protein change: p.Ala788Leu; replaces alanine 788 with leucine.
Molecular consequence: missense variant.
Genome position (GRCh38, 1-based): chr12:132,665,407-132,665,408, GC replaced by AG on the plus strand (GC replaced by CT on the coding strand, the reverse complement: POLE is on the minus strand). VCF-style: chr12-132665407-GC-AG. GRCh37 (hg19) VCF-style: chr12-133241993-GC-AG.
Other names: short protein forms A788L.
Identifiers: ClinVar variation 1440976 (VCV001440976.6), dbSNP rs2135961975, ClinGen allele CA2573148297.